The following is an entry in ClinVar:

ClinVar aggregate classification (germline): Pathogenic (1 of 4 stars; one submission).

Conditions:
Early-infantile DEE. Also called: Ohtahara syndrome; Early infantile epileptic encephalopathy with suppression bursts; Early infantile epileptic encephalopathy. Identifiers: Orphanet 1934, MedGen C0393706, MONDO:0800491.

Submission:

Labcorp Genetics (formerly Invitae), Labcorp
Classification: Pathogenic for Early-infantile DEE. Last evaluated: 2024-02-22. Review status: criteria provided, single submitter. Criteria: Invitae Variant Classification Sherloc (09022015). Collection method: clinical testing. Allele origin: germline.
Comment: This sequence change results in a frameshift in the KCNQ2 gene (p.Ser806Argfs*124). While this is not anticipated to result in nonsense mediated decay, it is expected to disrupt the last 67 amino acid(s) of the KCNQ2 protein and extend the protein by 56 additional amino acid residues. This variant is not present in population databases (gnomAD no frequency). This variant has not been reported in the literature in individuals affected with KCNQ2-related conditions. ClinVar contains an entry for this variant (Variation ID: 1431450). This variant results in an extension of the KCNQ2 protein. Other variant(s) that result in a similarly extended protein product (p.Gly866Alafs*64) have been determined to be pathogenic (PMID: 10482260, 21937445). This suggests that these extensions are likely to be disease-causing. For these reasons, this variant has been classified as Pathogenic.

Literature cited by the submitters: PubMed 10482260; PubMed 21937445.

NM_172107.4(KCNQ2):c.2418del (p.Ser806fs)

Gene: KCNQ2 (potassium voltage-gated channel subfamily Q member 2; minus strand). Cytogenetic location: 20q13.33.
Variant type: Deletion.
Coding change: c.2418del on transcript NM_172107.4 (MANE Select); coding-DNA position 2418, one base deleted (C; older notation c.2418delC).
Protein change: p.Ser806fs; shifts the reading frame from serine 806.
Molecular consequence: frameshift variant.
Genome position (GRCh38, 1-based): chr20:63,406,845, G deleted on the plus strand (C on the coding strand, the reverse complement: KCNQ2 is on the minus strand). VCF-style (leftmost placement, unchanged base first): chr20-63406844-TG-T. GRCh37 (hg19) VCF-style: chr20-62038197-TG-T.
Other names: c.2472del, p.Ser824fs (NM_001382235.1); c.2334del, p.Ser778fs (NM_004518.6); c.2364del, p.Ser788fs (NM_172106.3); c.2325del, p.Ser775fs (NM_172108.5); short protein forms S778fs, S788fs, S775fs, S806fs, S824fs.
Identifiers: ClinVar variation 1431450 (VCV001431450.7), dbSNP rs2145483403, ClinGen allele CA2573157287.
Genomic context (GRCh38, chr20:63,406,844, plus strand): 5'-AAGGCGCCACGGCCGCGTAGCAGCTGTTGAGAGCATCCAGGTTCTCCTTGGACTGGGAGA[TG>T]CTGAAGCCGCTGAAGGAACGCTCCAGCTCCTCGTGGTCCACGGACGGGATGGAGATGGAC-3'